The following is an entry in ClinVar:

ClinVar aggregate classification (germline): Uncertain significance (1 of 4 stars; one submission).

gnomAD v4.1: 2 of 1,614,106 alleles (0.00012%); highest among the groups gnomAD compares: Middle Eastern, 0.017%; no homozygotes.

Submission:

CeGaT Center for Human Genetics Tuebingen
Classification: Uncertain significance. Last evaluated: 2023-09-01. Review status: criteria provided, single submitter. Criteria: CeGaT Center For Human Genetics Tuebingen Variant Classification Criteria Version 2. Collection method: clinical testing. Allele origin: germline. Affected: yes. Observed: 2 variant alleles.
Comment: EFTUD2: PM2

NM_004247.4(EFTUD2):c.1387G>A (p.Glu463Lys)

Gene: EFTUD2 (elongation factor Tu GTP binding domain containing 2; minus strand). Cytogenetic location: 17q21.31.
Variant type: single nucleotide variant.
Coding change: c.1387G>A on transcript NM_004247.4 (MANE Select); coding-DNA position 1387, G replaced by A.
Protein change: p.Glu463Lys; replaces glutamic acid 463 with lysine.
Molecular consequence: missense variant.
Genome position (GRCh38, 1-based): chr17:44,863,681, C>T on the plus strand (G>A on the coding strand, the complement: EFTUD2 is on the minus strand). VCF-style: chr17-44863681-C-T. GRCh37 (hg19) VCF-style: chr17-42941049-C-T.
Other names: c.1282G>A, p.Glu428Lys (NM_001142605.2); c.1387G>A, p.Glu463Lys (NM_001258353.2); c.1357G>A, p.Glu453Lys (NM_001258354.2); short protein forms E428K, E453K, E463K.
Identifiers: ClinVar variation 1335276 (VCV001335276.35), dbSNP rs2145473721, ClinGen allele CA399814507.